The following is an entry in ClinVar:

NM_006648.4(WNK2):c.4571C>A (p.Pro1524His)

Gene: WNK2 (WNK lysine deficient protein kinase 2; plus strand). Cytogenetic location: 9q22.31.
Variant type: single nucleotide variant.
Coding change: c.4571C>A on transcript NM_006648.4 (MANE Select); coding-DNA position 4571, C replaced by A.
Protein change: p.Pro1524His; replaces proline 1524 with histidine.
Molecular consequence: missense variant.
Genome position (GRCh38, 1-based): chr9:93,289,325, C>A. VCF-style: chr9-93289325-C-A. GRCh37 (hg19) VCF-style: chr9-96051607-C-A.
Other names: c.4682C>A, p.Pro1561His (NM_001282394.3); short protein forms P1561H, P1524H.
Identifiers: ClinVar variation 3981984 (VCV003981984.1).

ClinVar aggregate classification (germline): Uncertain significance (1 of 4 stars; one submission).

Submission:

Ambry Genetics
Classification: Uncertain significance. Last evaluated: 2025-05-04. Review status: criteria provided, single submitter. Criteria: Ambry Variant Classification Scheme 2023. Collection method: clinical testing. Allele origin: germline.
Comment: The p.P1524H variant (also known as c.4571C>A), located in coding exon 19 of the WNK2 gene, results from a C to A substitution at nucleotide position 4571. The proline at codon 1524 is replaced by histidine, an amino acid with similar properties. This amino acid position is conserved. In addition, this alteration is predicted to be tolerated by in silico analysis. Based on the available evidence, the clinical significance of this variant remains unclear.